The following is an entry in ClinVar:

NM_007059.4(KPTN):c.450-478A>G

Gene: KPTN (kaptin, actin binding protein; minus strand). Cytogenetic location: 19q13.32.
Variant type: single nucleotide variant.
Coding change: c.450-478A>G on transcript NM_007059.4 (MANE Select); 478 bases into the intron before coding-DNA position 450, A replaced by G.
Molecular consequence: intron variant.
Genome position (GRCh38, 1-based): chr19:47,481,511, T>C on the plus strand (A>G on the coding strand, the complement: KPTN is on the minus strand). VCF-style: chr19-47481511-T-C. GRCh37 (hg19) VCF-style: chr19-47984768-T-C.
Other names: c.282-478A>G (NM_001291296.2).
Identifiers: ClinVar variation 2498788 (VCV002498788.28), dbSNP rs141975739, ClinGen allele CA309195978.

ClinVar aggregate classification (germline): Likely benign (1 of 4 stars; one submission).

Allele frequency attached by ClinVar (database versions not stated): gnomAD exomes 0.00140; TOPMed 0.00703; 1000 Genomes Project 30x 0.00375; 1000 Genomes Project 0.00399.
gnomAD v4.1: 950 of 156,834 alleles (0.61%); highest among the groups gnomAD compares: African/African-American, 1.4%; no homozygotes.

Submission:

CeGaT Center for Human Genetics Tuebingen
Classification: Likely benign. Last evaluated: 2023-07-01. Review status: criteria provided, single submitter. Criteria: CeGaT Center For Human Genetics Tuebingen Variant Classification Criteria Version 2. Collection method: clinical testing. Allele origin: germline. Affected: yes. Observed: 3 variant alleles.
Comment: KPTN: BS1